The following is an entry in ClinVar:

NM_001012614.2(CTBP1):c.1119C>T (p.Gly373=)

Genes: CTBP1 (C-terminal binding protein 1; minus strand), CTBP1-AS (CTBP1 antisense RNA; plus strand). Cytogenetic location: 4p16.3.
Variant type: single nucleotide variant.
Coding change: c.1119C>T on transcript NM_001012614.2 (MANE Select); coding-DNA position 1119, C replaced by T.
Protein change: p.Gly373=; no amino-acid change (glycine 373 retained).
Molecular consequence: synonymous variant. On other transcripts: non-coding transcript variant (1).
Genome position (GRCh38, 1-based): chr4:1,212,411, G>A on the plus strand (C>T on the coding strand, the complement: CTBP1 is on the minus strand). VCF-style: chr4-1212411-G-A. GRCh37 (hg19) VCF-style: chr4-1206199-G-A.
Other names: c.1152C>T, p.Gly384= (NM_001328.3); c.1155C>T, p.Gly385= (NM_001377186.1); c.1122C>T, p.Gly374= (NM_001377187.1, NM_001377188.1, NM_001377189.1 and 1 more transcripts); c.1119C>T, p.Gly373= (NM_001377191.1, NM_001377192.1, NM_001377193.1).
Identifiers: ClinVar variation 2889337 (VCV002889337.5), dbSNP rs140595665, ClinGen allele CA2804169.

ClinVar aggregate classification (germline): Likely benign. Review status: criteria provided, multiple submitters, no conflicts (2 of 4 stars). 2 submissions from 2 submitters: Likely benign (2). Last evaluated 2026-05-01.

gnomAD v4.1: 46 of 1,461,736 alleles (0.0031%); highest among the groups gnomAD compares: Admixed American, 0.014%; no homozygotes.

Submissions (2):

CeGaT Center for Human Genetics Tuebingen
Classification: Likely benign. Last evaluated: 2026-05-01. Review status: criteria provided, single submitter. Criteria: CeGaT Center For Human Genetics Tuebingen Variant Classification Criteria Version 2. Collection method: clinical testing. Allele origin: germline. Affected: yes. Observed: 1 variant allele.
Comment: CTBP1: BP4, BP7

Labcorp Genetics (formerly Invitae), Labcorp
Classification: Likely benign. Last evaluated: 2025-01-13. Review status: criteria provided, single submitter. Criteria: Invitae Variant Classification Sherloc (09022015). Collection method: clinical testing. Allele origin: germline.